The following is an entry in ClinVar:

NM_207346.3(TSEN54):c.203_204dup (p.Gln69fs)

Gene: TSEN54 (tRNA splicing endonuclease subunit 54; plus strand). Cytogenetic location: 17q25.1.
Variant type: Microsatellite.
Coding change: c.203_204dup on transcript NM_207346.3 (MANE Select); coding-DNA positions 203 to 204, 2 bases duplicated (AG; older notation c.203_204dupAG).
Protein change: p.Gln69fs; shifts the reading frame from glutamine 69.
Molecular consequence: frameshift variant.
Genome position (GRCh38, 1-based): chr17:75,516,892-75,516,893, AG duplicated; duplicating any 2 consecutive bases within chr17:75,516,890-75,516,893 gives the same sequence; the c. name uses the placement nearest the transcript's 3' end. VCF-style (leftmost placement, unchanged base first): chr17-75516889-C-CAG. GRCh37 (hg19) VCF-style: chr17-73512970-C-CAG.
Other names: short protein forms Q69fs.
Identifiers: ClinVar variation 2127465 (VCV002127465.4), dbSNP rs2546151070, ClinGen allele CA2580613247.
Genomic context (GRCh38, chr17:75,516,889, plus strand): 5'-GCTCGGCAGCTCAGGCCGAGCGGCTGCGCCGGTGCCGGGAAGAGCTCTGGCAGCTGCTGG[C>CAG]AGAGCAGCGCGTGGAGCGCCTGTGAGAGGGGCGGGCCCAGGGGTAAGGGAAGCGGGGGCG-3'

ClinVar aggregate classification (germline): Pathogenic (1 of 4 stars; one submission).

Submission:

Labcorp Genetics (formerly Invitae), Labcorp
Classification: Pathogenic. Last evaluated: 2023-11-27. Review status: criteria provided, single submitter. Criteria: Invitae Variant Classification Sherloc (09022015). Collection method: clinical testing. Allele origin: germline.
Comment: This sequence change creates a premature translational stop signal (p.Gln69Serfs*24) in the TSEN54 gene. It is expected to result in an absent or disrupted protein product. Loss-of-function variants in TSEN54 are known to be pathogenic (PMID: 18711368, 20952379). This variant is not present in population databases (gnomAD no frequency). This variant has not been reported in the literature in individuals affected with TSEN54-related conditions. For these reasons, this variant has been classified as Pathogenic.

Literature cited by the submitters: PubMed 18711368; PubMed 20952379.